The following is an entry in ClinVar:

NM_001041.4(SI):c.359CAA[2] (p.Thr122del)

Gene: SI (sucrase-isomaltase; minus strand). Cytogenetic location: 3q26.1.
Variant type: Microsatellite.
Coding change: c.359CAA[2] on transcript NM_001041.4 (MANE Select); two copies in a row of the 3-base unit CAA starting at c.359; the reference has three copies in a row; one copy, 3 bases deleted.
Protein change: p.Thr122del; deletes threonine 122.
Molecular consequence: inframe deletion.
Genome position (GRCh38, 1-based): chr3:165,069,084-165,069,086, TTG deleted on the plus strand (CAA on the coding strand, the reverse complement: SI is on the minus strand); deleting any 3 consecutive bases within chr3:165,069,084-165,069,093 gives the same sequence; the position shown is the placement nearest the transcript's 3' end. VCF-style (leftmost placement, unchanged base first): chr3-165069083-CTTG-C. GRCh37 (hg19) VCF-style: chr3-164786871-CTTG-C.
Other names: short protein forms T122del.
Identifiers: ClinVar variation 1913150 (VCV001913150.2), dbSNP rs752155925, ClinGen allele CA2691536.

ClinVar aggregate classification (germline): Uncertain significance (1 of 4 stars; one submission).

Submission:

Labcorp Genetics (formerly Invitae), Labcorp
Classification: Uncertain significance. Last evaluated: 2022-09-07. Review status: criteria provided, single submitter. Criteria: Invitae Variant Classification Sherloc (09022015). Collection method: clinical testing. Allele origin: germline.
Comment: This variant, c.365_367del, results in the deletion of 1 amino acid(s) of the SI protein (p.Thr122del), but otherwise preserves the integrity of the reading frame. This variant is present in population databases (rs752155925, gnomAD 0.05%). This variant has not been reported in the literature in individuals affected with SI-related conditions. Experimental studies and prediction algorithms are not available or were not evaluated, and the functional significance of this variant is currently unknown. In summary, the available evidence is currently insufficient to determine the role of this variant in disease. Therefore, it has been classified as a Variant of Uncertain Significance.